The following is an entry in ClinVar:

ClinVar aggregate classification (germline): Uncertain significance (1 of 4 stars; one submission).

Conditions:
Hereditary cancer-predisposing syndrome. Also called: Hereditary Cancer Syndrome; Hereditary neoplastic syndrome; Neoplastic Syndromes, Hereditary; Tumor predisposition. Identifiers: Orphanet 140162, MedGen C0027672, MeSH D009386, MONDO:0015356.

gnomAD v4.1: 1 of 1,605,906 alleles (0.000062%); no homozygotes.

Submission:

Ambry Genetics
Classification: Uncertain significance for Hereditary cancer-predisposing syndrome. Last evaluated: 2026-07-31. Review status: criteria provided, single submitter. Criteria: Ambry Variant Classification Scheme 2023. Collection method: clinical testing. Allele origin: germline.
Comment: The p.G171R variant (also known as c.511G>C), located in coding exon 4 of the STK11 gene, results from a G to C substitution at nucleotide position 511. The glycine at codon 171 is replaced by arginine, an amino acid with dissimilar properties. This amino acid position is highly conserved in available vertebrate species. In addition, this alteration is predicted to be deleterious by in silico analysis. Based on the available evidence, the clinical significance of this variant remains unclear.

NM_000455.5(STK11):c.511G>C (p.Gly171Arg)

Gene: STK11 (serine/threonine kinase 11; plus strand). Cytogenetic location: 19p13.3.
Variant type: single nucleotide variant.
Coding change: c.511G>C on transcript NM_000455.5 (MANE Select); coding-DNA position 511, G replaced by C.
Protein change: p.Gly171Arg; replaces glycine 171 with arginine.
Molecular consequence: missense variant. On other transcripts: non-coding transcript variant (1).
Genome position (GRCh38, 1-based): chr19:1,220,419, G>C. VCF-style: chr19-1220419-G-C. GRCh37 (hg19) VCF-style: chr19-1220418-G-C.
Other names: c.511G>C, p.Gly171Arg (NM_001407255.1); short protein forms G171R.
Identifiers: ClinVar variation 2566482 (VCV002566482.3), dbSNP rs1599926499, ClinGen allele CA402948934.